The following is an entry in ClinVar:

ClinVar aggregate classification (germline): Conflicting classifications of pathogenicity. Review status: criteria provided, conflicting classifications (1 of 4 stars). 4 submissions from 4 submitters: Pathogenic (1); Uncertain significance (2). 1 of the submissions does not count toward it. Last evaluated 2022-11-22.

Conditions:
CFAP418-related disorder. Also called: CFAP418-related condition.

Allele frequency attached by ClinVar (database versions not stated): gnomAD exomes 0.00001.
gnomAD v4.1: 4 of 1,614,136 alleles (0.00025%); highest among the groups gnomAD compares: Admixed American, 0.0067%; no homozygotes.

Submissions (4):

Labcorp Genetics (formerly Invitae), Labcorp
Classification: Pathogenic. Last evaluated: 2022-11-22. Review status: criteria provided, single submitter. Criteria: Invitae Variant Classification Sherloc (09022015). Collection method: clinical testing. Allele origin: germline.
Comment: This sequence change creates a premature translational stop signal (p.Trp202*) in the C8orf37 gene. While this is not anticipated to result in nonsense mediated decay, it is expected to disrupt the last 6 amino acid(s) of the C8orf37 protein. For these reasons, this variant has been classified as Pathogenic. ClinVar contains an entry for this variant (Variation ID: 943429). This premature translational stop signal has been observed in individuals with clinical features of inherited retinal dystrophy (Invitae). This variant is present in population databases (no rsID available, gnomAD 0.009%).

Blueprint Genetics
Classification: Uncertain significance. Last evaluated: 2022-09-07. Review status: criteria provided, single submitter. Criteria: ACMG Guidelines, 2015. Collection method: clinical testing. Allele origin: germline.

GeneDx
Classification: Uncertain significance. Last evaluated: 2019-06-28. Review status: criteria provided, single submitter. Criteria: GeneDx Variant Classification Process June 2021. Collection method: clinical testing. Allele origin: germline. Affected: yes.
Comment: Nonsense variant predicted to result in protein truncation, although loss-of-function variants have not been reported downstream of this position in the protein; Has not been previously published as pathogenic or benign to our knowledge

PreventionGenetics, part of Exact Sciences
Classification: Uncertain significance for CFAP418-related condition. Last evaluated: 2024-08-30. Review status: no assertion criteria provided. Collection method: clinical testing. Allele origin: germline. Not counted in ClinVar's aggregate classification.
Comment: The CFAP418 c.606G>A variant is predicted to result in premature protein termination (p.Trp202*). To our knowledge, this variant has not been reported in the literature. This variant resides in the final exon of this gene, and it is unclear if the resulting mRNA would undergo nonsense-mediated decay. This variant is reported in 0.0087% of alleles in individuals of Latino descent in gnomAD and has conflicting classifications listed in ClinVar ranging from uncertain significance to pathogenic. Although we suspect that this variant may be pathogenic, at this time, the clinical significance of this variant is uncertain due to the absence of conclusive functional and genetic evidence.

NM_177965.4(CFAP418):c.606G>A (p.Trp202Ter)

Gene: CFAP418 (cilia and flagella associated protein 418; minus strand). Cytogenetic location: 8q22.1.
Variant type: single nucleotide variant.
Coding change: c.606G>A on transcript NM_177965.4 (MANE Select); coding-DNA position 606, G replaced by A.
Protein change: p.Trp202Ter; replaces tryptophan 202 with a stop codon.
Molecular consequence: nonsense.
Genome position (GRCh38, 1-based): chr8:95,247,635, C>T on the plus strand (G>A on the coding strand, the complement: CFAP418 is on the minus strand). VCF-style: chr8-95247635-C-T. GRCh37 (hg19) VCF-style: chr8-96259863-C-T.
Other names: c.510G>A, p.Trp170Ter (NM_001363260.1); short protein forms W202*, W170*.
Identifiers: ClinVar variation 943429 (VCV000943429.11), dbSNP rs1472751695, ClinGen allele CA371838098.